The following is an entry in ClinVar:

NM_152393.4(KLHL40):c.1090G>C (p.Ala364Pro)

Gene: KLHL40 (kelch like family member 40; plus strand). Cytogenetic location: 3p22.1.
Variant type: single nucleotide variant.
Coding change: c.1090G>C on transcript NM_152393.4 (MANE Select); coding-DNA position 1090, G replaced by C.
Protein change: p.Ala364Pro; replaces alanine 364 with proline.
Molecular consequence: missense variant.
Genome position (GRCh38, 1-based): chr3:42,686,708, G>C. VCF-style: chr3-42686708-G-C. GRCh37 (hg19) VCF-style: chr3-42728200-G-C.
Other names: short protein forms A364P.
Identifiers: ClinVar variation 569209 (VCV000569209.5), dbSNP rs1559613938, ClinGen allele CA352292483.

ClinVar aggregate classification (germline): Uncertain significance (1 of 4 stars; one submission).

Conditions:
Nemaline myopathy 8 (NEM8). Also called: Nemaline myopathy 8, autosomal recessive. Identifiers: Orphanet 171430, MedGen C3809209, MONDO:0014138, OMIM 615348.

Submission:

Labcorp Genetics (formerly Invitae), Labcorp
Classification: Uncertain significance for Nemaline myopathy 8. Last evaluated: 2018-02-20. Review status: criteria provided, single submitter. Criteria: Invitae Variant Classification Sherloc (09022015). Collection method: clinical testing. Allele origin: germline.
Comment: In summary, the available evidence is currently insufficient to determine the role of this variant in disease. Therefore, it has been classified as a Variant of Uncertain Significance. Algorithms developed to predict the effect of missense changes on protein structure and function do not agree on the potential impact of this missense change (SIFT: "Deleterious"; PolyPhen-2: "Possibly Damaging"; Align-GVGD: "Class C0"). This variant has not been reported in the literature in individuals with KLHL40-related disease. This variant is not present in population databases (ExAC no frequency). This sequence change replaces alanine with proline at codon 364 of the KLHL40 protein (p.Ala364Pro). The alanine residue is highly conserved and there is a small physicochemical difference between alanine and proline.